The following is an entry in ClinVar:

NM_001005242.3(PKP2):c.971_972insCGCCT (p.Ala326fs)

Gene: PKP2 (plakophilin 2; minus strand). Cytogenetic location: 12p11.21.
Variant type: Insertion.
Coding change: c.971_972insCGCCT on transcript NM_001005242.3 (MANE Select); coding-DNA positions 971 to 972, CGCCT inserted.
Protein change: p.Ala326fs; shifts the reading frame from alanine 326.
Molecular consequence: frameshift variant.
Genome position: GRCh38 VCF-style: chr12-32877908-C-CAGGCG. GRCh37 (hg19) VCF-style: chr12-33030842-C-CAGGCG.
Other names: c.644_645insCGCCT, p.Ala217fs (NM_001407158.1, NM_001407159.1, NM_001407160.1 and 1 more transcripts); c.971_972insCGCCT, p.Ala326fs (NM_001407161.1, NM_004572.4, NM_001407155.1 and 2 more transcripts); short protein forms A217fs, A326fs.
Identifiers: ClinVar variation 3076017 (VCV003076017.1), dbSNP rs779241371, ClinGen allele CA913188479.

ClinVar aggregate classification (germline): Likely pathogenic (1 of 4 stars; one submission).

Conditions:
Arrhythmogenic right ventricular cardiomyopathy (ARVD). Also called: Arrhythmogenic right ventricular dysplasia; Cardiomyopathy, ARVC; Arrhythmogenic cardiomyopathy; Arrhythmogenic Right Ventricular Cardiomyopathy (ARVC). Identifiers: Orphanet 247, MedGen C0349788, MeSH D019571, MONDO:0016587. Disease mechanism: loss of function. Inheritance: Various modes of inheritance.

Submission:

Laboratory for Molecular Medicine, Mass General Brigham Personalized Medicine
Classification: Likely pathogenic for Arrhythmogenic right ventricular cardiomyopathy. Last evaluated: 2016-01-26. Review status: criteria provided, single submitter. Criteria: ACMG Guidelines, 2015. Collection method: clinical testing. Allele origin: germline. Inheritance: Autosomal dominant inheritance.
Comment: The p.Ala326fs variant in PKP2 has not been previously reported in individuals with ARVC and is absent from large population studies, though the ability of these studies to accurately detect indels may be limited. This variant is predicted to cause a frameshift, which alters the protein’s amino acid sequence beginning at position 326 and leads to a premature termination codon 28 amino acids downstream. This alteration is then predicted to lead to a truncated or absent protein. Heterozygous loss of PKP2 function is an established disease mechanism in individuals with arrhythmogenic right ventricular cardiomyopathy. In summary, although additional studies are required to fully establish its clinical significance, the p.Ala326fs variant is likely pathogenic.

Literature cited by the submitters: PubMed 24200905.